The following is an entry in ClinVar:

NM_000051.4(ATM):c.703G>A (p.Ala235Thr)

Gene: ATM (ATM serine/threonine kinase; plus strand). Cytogenetic location: 11q22.3.
Variant type: single nucleotide variant.
Coding change: c.703G>A on transcript NM_000051.4 (MANE Select); coding-DNA position 703, G replaced by A.
Protein change: p.Ala235Thr; replaces alanine 235 with threonine.
Molecular consequence: missense variant.
Genome position (GRCh38, 1-based): chr11:108,244,828, G>A. VCF-style: chr11-108244828-G-A. GRCh37 (hg19) VCF-style: chr11-108115555-G-A.
Other names: c.703G>A, p.Ala235Thr (NM_001351834.2); short protein forms A235T.
Identifiers: ClinVar variation 928953 (VCV000928953.4), dbSNP rs76379269, ClinGen allele CA228384602.

ClinVar aggregate classification (germline): Conflicting classifications of pathogenicity. Review status: criteria provided, conflicting classifications (1 of 4 stars). 3 submissions from 3 submitters: Uncertain significance (2); Likely benign (1). Last evaluated 2025-08-05.

Conditions:
Hereditary cancer-predisposing syndrome. Also called: Neoplastic Syndromes, Hereditary; Hereditary Cancer Syndrome; Tumor predisposition; Hereditary neoplastic syndrome. Identifiers: Orphanet 140162, MedGen C0027672, MeSH D009386, MONDO:0015356.
Familial cancer of breast. Also called: Hereditary breast cancer; BREAST CANCER, FAMILIAL; hereditary breast carcinoma. Identifiers: Orphanet 227535, MedGen C0346153, MONDO:0016419, OMIM 114480. Disease mechanism: loss of function.

Allele frequency attached by ClinVar (database versions not stated): gnomAD 0.00001; 1000 Genomes Project 0.00020; 1000 Genomes Project 30x 0.00031.
gnomAD v4.1: 1 of 1,613,742 alleles (0.000062%); highest among the groups gnomAD compares: African/African-American, 0.0013%; no homozygotes.

Submissions (3):

Ambry Genetics
Classification: Likely benign for Hereditary cancer-predisposing syndrome. Last evaluated: 2025-08-05. Review status: criteria provided, single submitter. Criteria: Ambry Variant Classification Scheme 2023. Collection method: clinical testing. Allele origin: germline.

Women's Health and Genetics/Laboratory Corporation of America, LabCorp
Classification: Uncertain significance. Last evaluated: 2025-05-27. Review status: criteria provided, single submitter. Criteria: LabCorp Variant Classification Summary - May 2015. Collection method: clinical testing. Allele origin: germline.
Comment: Variant summary: ATM c.703G>A (p.Ala235Thr) results in a non-conservative amino acid change in the encoded protein sequence. Algorithms developed to predict the effect of missense changes on protein structure and function are either unavailable or do not agree on the potential impact of this missense change. The variant was absent in 251060 control chromosomes. The available data on variant occurrences in the general population are insufficient to allow any conclusion about variant significance. To our knowledge, no occurrence of c.703G>A in individuals affected with Ataxia-Telangiectasia and no experimental evidence demonstrating its impact on protein function have been reported. ClinVar contains an entry for this variant (Variation ID: 928953). Based on the evidence outlined above, the variant was classified as uncertain significance.

Baylor Genetics
Classification: Uncertain significance for Familial cancer of breast. Last evaluated: 2023-08-29. Review status: criteria provided, single submitter. Criteria: ACMG Guidelines, 2015. Collection method: clinical testing. Allele origin: unknown.